The following is an entry in ClinVar:

NM_001374828.1(ARID1B):c.6064G>T (p.Glu2022Ter)

Gene: ARID1B (AT-rich interaction domain 1B; plus strand). Cytogenetic location: 6q25.3.
Variant type: single nucleotide variant.
Coding change: c.6064G>T on transcript NM_001374828.1 (MANE Select); coding-DNA position 6064, G replaced by T.
Protein change: p.Glu2022Ter; replaces glutamic acid 2022 with a stop codon.
Molecular consequence: nonsense.
Genome position (GRCh38, 1-based): chr6:157,206,836, G>T. VCF-style: chr6-157206836-G-T. GRCh37 (hg19) VCF-style: chr6-157527970-G-T.
Other names: c.5695G>T (NM_020732.3); c.3565G>T, p.Glu1189Ter (NM_001363725.2); c.5944G>T, p.Glu1982Ter (NM_001371656.1, NM_001374820.1); c.5905G>T, p.Glu1969Ter (NM_017519.3); short protein forms E1189*, E1969*, E1982*, E2022*.
Identifiers: ClinVar variation 3773847 (VCV003773847.1).

ClinVar aggregate classification (germline): Pathogenic (1 of 4 stars; one submission).

Conditions:
ARID1B-Related Disorder. Identifiers: MedGen CN381337.

Submission:

Rady Children's Institute for Genomic Medicine, Rady Children's Hospital San Diego
Classification: Pathogenic for ARID1B-Related Disorder. Last evaluated: 2023-10-05. Review status: criteria provided, single submitter. Criteria: ACMG Guidelines, 2015. Collection method: clinical testing. Allele origin: germline. Affected: yes.
Comment: This nonsense variant is found in the last exon of ARID1B, therefore the resulting mRNA is predicted to escape nonsense-mediated decay. However, nonsense variants located downstream of this variant have been reported as disease-causing variants in the literature (PMID: 23906836, 27474218, 30755392). This variant has not been previously reported or functionally characterized in the literature to our knowledge. The c.5695G>T (p.Glu1899Ter) variant is absent from the gnomAD population database and thus is presumed to be rare. Analysis of the parental samples was negative for the variant, indicating this variant likely occurred as a de novo event. Based on the available evidence, c.5695G>T (p.Glu1899Ter) is classified as Pathogenic.

Literature cited by the submitters: PubMed 23906836; 27474218; 30755392.